The following is an entry in ClinVar:

NM_001126108.2(SLC12A3):c.2369-191C>T

Gene: SLC12A3 (solute carrier family 12 member 3; plus strand). Cytogenetic location: 16q13.
Variant type: single nucleotide variant.
Coding change: c.2369-191C>T on transcript NM_001126108.2 (MANE Select); 191 bases into the intron before coding-DNA position 2369, C replaced by T.
Molecular consequence: intron variant.
Genome position (GRCh38, 1-based): chr16:56,891,892, C>T. VCF-style: chr16-56891892-C-T. GRCh37 (hg19) VCF-style: chr16-56925804-C-T.
Other names: c.2369-191C>T (NM_000339.3); c.2366-191C>T (NM_001126107.2).
Identifiers: ClinVar variation 1684190 (VCV001684190.1), dbSNP rs912634409, ClinGen allele CA281512121.

ClinVar aggregate classification (germline): Likely benign (1 of 4 stars; one submission).

Conditions:
Familial hypokalemia-hypomagnesemia (GTLMNS). Also called: gitelman syndrome; HYPOMAGNESEMIA-HYPOKALEMIA, PRIMARY RENOTUBULAR, WITH HYPOCALCIURIA; POTASSIUM AND MAGNESIUM DEPLETION. Identifiers: Orphanet 358, MedGen C0268450, MONDO:0009904, OMIM 263800.

Allele frequency attached by ClinVar (database versions not stated): 1000 Genomes Project 30x 0.00016.
gnomAD v4.1: 4 of 152,166 alleles (0.0026%); highest among the groups gnomAD compares: South Asian, 0.021%; no homozygotes.

Submission:

European Hospital Georges Pompidou Genetics Department, Assistance Publique - Hôpitaux de Paris AP-HP
Classification: Likely benign for Familial hypokalemia-hypomagnesemia. Last evaluated: 2022-04-27. Review status: criteria provided, single submitter. Criteria: ACMG Guidelines, 2015. Collection method: clinical testing, in vitro. Allele origin: germline. Affected: yes.
Comment: ACMG criteria used:BS3, PM2